The following is an entry in ClinVar:

NM_006648.4(WNK2):c.1765C>T (p.Pro589Ser)

Gene: WNK2 (WNK lysine deficient protein kinase 2; plus strand). Cytogenetic location: 9q22.31.
Variant type: single nucleotide variant.
Coding change: c.1765C>T on transcript NM_006648.4 (MANE Select); coding-DNA position 1765, C replaced by T.
Protein change: p.Pro589Ser; replaces proline 589 with serine.
Molecular consequence: missense variant.
Genome position (GRCh38, 1-based): chr9:93,247,765, C>T. VCF-style: chr9-93247765-C-T. GRCh37 (hg19) VCF-style: chr9-96010047-C-T.
Other names: c.1765C>T, p.Pro589Ser (NM_001282394.3); short protein forms P589S.
Identifiers: ClinVar variation 3981657 (VCV003981657.1).

ClinVar aggregate classification (germline): Uncertain significance (1 of 4 stars; one submission).

gnomAD v4.1: 3 of 1,551,574 alleles (0.00019%); highest among the groups gnomAD compares: Non-Finnish European, 0.00017%; no homozygotes.

Submission:

Ambry Genetics
Classification: Uncertain significance. Last evaluated: 2025-03-17. Review status: criteria provided, single submitter. Criteria: Ambry Variant Classification Scheme 2023. Collection method: clinical testing. Allele origin: germline.
Comment: The p.P589S variant (also known as c.1765C>T), located in coding exon 7 of the WNK2 gene, results from a C to T substitution at nucleotide position 1765. The proline at codon 589 is replaced by serine, an amino acid with similar properties. This amino acid position is conserved. In addition, this alteration is predicted to be tolerated by in silico analysis. Based on the available evidence, the clinical significance of this variant remains unclear.